The following is an entry in ClinVar:

ClinVar aggregate classification (germline): Pathogenic. Review status: criteria provided, multiple submitters, no conflicts (2 of 4 stars). 2 submissions from 2 submitters: Pathogenic (2). Last evaluated 2026-01-04.

Conditions:
Familial adenomatous polyposis 1 (FAP1). Also called: FAMILIAL ADENOMATOUS POLYPOSIS 1, ATTENUATED; POLYPOSIS, ADENOMATOUS INTESTINAL. Identifiers: MedGen C2713442, MONDO:0021056, OMIM 175100. Disease mechanism: loss of function.

Submissions (2):

Labcorp Genetics (formerly Invitae), Labcorp
Classification: Pathogenic for Familial adenomatous polyposis 1. Last evaluated: 2026-01-04. Review status: criteria provided, single submitter. Criteria: Invitae Variant Classification Sherloc (09022015). Collection method: clinical testing. Allele origin: germline.
Comment: This sequence change creates a premature translational stop signal (p.Val1614Cysfs*36) in the APC gene. While this is not anticipated to result in nonsense mediated decay, it is expected to disrupt the last 1230 amino acid(s) of the APC protein. This variant is not present in population databases (gnomAD no frequency). This premature translational stop signal has been observed in individual(s) with APC-related conditions (internal data). ClinVar contains an entry for this variant (Variation ID: 1074753). This variant is expected to disrupt the EB1 and HDLG binding sites, which mediate interactions with the cytoskeleton (PMID: 15311282, 17293347). While functional studies have not been performed to directly test the effect on APC protein function, this suggests that disruption of the C-terminal portion of the protein is functionally important. A different truncation (p.Tyr2645Lysfs*14) that lies downstream of this variant has been determined to be pathogenic (PMID: 9824584, 1316610, 27081525, 8381579, 22135120, internal data). This suggests that deletion of this region of the APC protein is causative of disease. For these reasons, this variant has been classified as Pathogenic.

Myriad Genetics, Inc.
Classification: Pathogenic for Familial adenomatous polyposis 1. Last evaluated: 2023-05-12. Review status: criteria provided, single submitter. Criteria: Myriad Autosomal Dominant, Autosomal Recessive and X-Linked Classification Criteria (2023). Collection method: clinical testing. Allele origin: unknown.
Comment: This variant is considered pathogenic. This variant creates a frameshift predicted to result in premature protein truncation.

Literature cited by the submitters: PubMed 15311282 (cited by Labcorp Genetics (formerly Invitae), Labcorp); PubMed 17293347 (cited by Labcorp Genetics (formerly Invitae), Labcorp); PubMed 9824584 (cited by Labcorp Genetics (formerly Invitae), Labcorp); PubMed 1316610 (cited by Labcorp Genetics (formerly Invitae), Labcorp); PubMed 27081525 (cited by Labcorp Genetics (formerly Invitae), Labcorp); PubMed 8381579 (cited by Labcorp Genetics (formerly Invitae), Labcorp); PubMed 22135120 (cited by Labcorp Genetics (formerly Invitae), Labcorp).

NM_000038.6(APC):c.4839del (p.Val1614fs)

Gene: APC (APC regulator of Wnt signaling pathway; plus strand). Cytogenetic location: 5q22.2.
Variant type: Deletion.
Coding change: c.4839del on transcript NM_000038.6 (MANE Select); coding-DNA position 4839, one base deleted (T; older notation c.4839delT).
Protein change: p.Val1614fs; shifts the reading frame from valine 1614.
Molecular consequence: frameshift variant.
Genome position (GRCh38, 1-based): chr5:112,840,433, T deleted. VCF-style (leftmost placement, unchanged base first): chr5-112840432-CT-C. GRCh37 (hg19) VCF-style: chr5-112176129-CT-C.
Other names: c.4839del, p.Val1614fs (NM_001127510.3, NM_001354895.2); c.4785del, p.Val1596fs (NM_001127511.3); c.4893del, p.Val1632fs (NM_001354896.2); c.4869del, p.Val1624fs (NM_001354897.2); c.4764del, p.Val1589fs (NM_001354898.2); c.4755del, p.Val1586fs (NM_001354899.2); c.4716del, p.Val1573fs (NM_001354900.2); c.4662del, p.Val1555fs (NM_001354901.2); and 5 more; short protein forms V1331fs, V1454fs, V1488fs, V1513fs, V1523fs, V1555fs, V1573fs, V1586fs.
Identifiers: ClinVar variation 1074753 (VCV001074753.11), dbSNP rs2149925213, ClinGen allele CA2499217490.